The following is an entry in ClinVar:

ClinVar aggregate classification (germline): Uncertain significance (1 of 4 stars; one submission).

Submission:

Labcorp Genetics (formerly Invitae), Labcorp
Classification: Uncertain significance. Last evaluated: 2022-05-13. Review status: criteria provided, single submitter. Criteria: Invitae Variant Classification Sherloc (09022015). Collection method: clinical testing. Allele origin: germline.
Comment: In summary, the available evidence is currently insufficient to determine the role of this variant in disease. Therefore, it has been classified as a Variant of Uncertain Significance. Algorithms developed to predict the effect of missense changes on protein structure and function (SIFT, PolyPhen-2, Align-GVGD) all suggest that this variant is likely to be tolerated. This variant has not been reported in the literature in individuals affected with ZNF408-related conditions. This variant is not present in population databases (gnomAD no frequency). This sequence change replaces proline, which is neutral and non-polar, with alanine, which is neutral and non-polar, at codon 285 of the ZNF408 protein (p.Pro285Ala).

NM_024741.3(ZNF408):c.853C>G (p.Pro285Ala)

Gene: ZNF408 (zinc finger protein 408; plus strand). Cytogenetic location: 11p11.2.
Variant type: single nucleotide variant.
Coding change: c.853C>G on transcript NM_024741.3 (MANE Select); coding-DNA position 853, C replaced by G.
Protein change: p.Pro285Ala; replaces proline 285 with alanine.
Molecular consequence: missense variant.
Genome position (GRCh38, 1-based): chr11:46,704,553, C>G. VCF-style: chr11-46704553-C-G. GRCh37 (hg19) VCF-style: chr11-46726103-C-G.
Other names: c.829C>G, p.Pro277Ala (NM_001184751.2); short protein forms P277A, P285A.
Identifiers: ClinVar variation 1993882 (VCV001993882.4), dbSNP rs2502793186, ClinGen allele CA380254321.